The following is an entry in ClinVar:

NM_000052.7(ATP7A):c.4210T>G (p.Ser1404Ala)

Gene: ATP7A (ATPase copper transporting alpha; plus strand). Cytogenetic location: Xq21.1.
Variant type: single nucleotide variant.
Coding change: c.4210T>G on transcript NM_000052.7 (MANE Select); coding-DNA position 4210, T replaced by G.
Protein change: p.Ser1404Ala; replaces serine 1404 with alanine.
Molecular consequence: missense variant. On other transcripts: non-coding transcript variant (1).
Genome position (GRCh38, 1-based): chrX:78,045,556, T>G. VCF-style: chrX-78045556-T-G. GRCh37 (hg19) VCF-style: chrX-77301053-T-G.
Other names: c.3976T>G, p.Ser1326Ala (NM_001282224.2); short protein forms S1404A, S1326A.
Identifiers: ClinVar variation 1442293 (VCV001442293.8), dbSNP rs2149113564, ClinGen allele CA413605912.

ClinVar aggregate classification (germline): Uncertain significance (1 of 4 stars; one submission).

Conditions:
X-linked distal spinal muscular atrophy type 3. Also called: ATP7A-Related Distal Motor Neuropathy; NEURONOPATHY, DISTAL HEREDITARY MOTOR, X-LINKED; NEUROPATHY, DISTAL HEREDITARY MOTOR, X-LINKED; SPINAL MUSCULAR ATROPHY, DISTAL, X-LINKED RECESSIVE. Identifiers: Orphanet 139557, MedGen C1845359, MONDO:0010338, OMIM 300489.
Menkes kinky-hair syndrome (MNK). Also called: Classic Menkes Disease; Copper transport disease; Menkes Disease. Identifiers: Orphanet 565, MedGen C0022716, MONDO:0010651, OMIM 309400.
Cutis laxa, X-linked (OHS). Also called: EDS IX; Occipital horn syndrome. Identifiers: Orphanet 198, MedGen C0268353, MONDO:0010572, OMIM 304150.

Submission:

Labcorp Genetics (formerly Invitae), Labcorp
Classification: Uncertain significance for X-linked distal spinal muscular atrophy type 3; Cutis laxa, X-linked; Menkes kinky-hair syndrome. Last evaluated: 2022-07-19. Review status: criteria provided, single submitter. Criteria: Invitae Variant Classification Sherloc (09022015). Collection method: clinical testing. Allele origin: germline.
Comment: In summary, the available evidence is currently insufficient to determine the role of this variant in disease. Therefore, it has been classified as a Variant of Uncertain Significance. Algorithms developed to predict the effect of missense changes on protein structure and function are either unavailable or do not agree on the potential impact of this missense change (SIFT: "Deleterious"; PolyPhen-2: "Benign"; Align-GVGD: "Class C65"). ClinVar contains an entry for this variant (Variation ID: 1442293). This variant has not been reported in the literature in individuals affected with ATP7A-related conditions. This variant is not present in population databases (gnomAD no frequency). This sequence change replaces serine, which is neutral and polar, with alanine, which is neutral and non-polar, at codon 1404 of the ATP7A protein (p.Ser1404Ala).